The following is an entry in ClinVar:

ClinVar aggregate classification (germline): Pathogenic/Likely pathogenic. Review status: criteria provided, multiple submitters, no conflicts (2 of 4 stars). 4 submissions from 4 submitters: Pathogenic (2); Likely pathogenic (1). 1 of the submissions does not count toward it. Last evaluated 2025-08-21.

Conditions:
Portal hypertension, noncirrhotic, 1 (NCPH1). Identifiers: MedGen CN305369, MONDO:8000013, OMIM 617068.
Progressive external ophthalmoplegia with mitochondrial DNA deletions, autosomal recessive 4. Also called: PROGRESSIVE EXTERNAL OPHTHALMOPLEGIA, AUTOSOMAL RECESSIVE 4; Adult-onset multiple mitochondrial DNA deletion syndrome due to DGUOK deficiency. Identifiers: Orphanet 329314, MedGen C4310733, MONDO:0014899, OMIM 617070.
Mitochondrial DNA depletion syndrome 3 (hepatocerebral type). Also called: Deoxyguanosine Kinase Deficiency; MITOCHONDRIAL DNA DEPLETION SYNDROME 3; Mitochondrial DNA depletion syndrome, hepatocerebral form due to DGUOK deficiency. Identifiers: Orphanet 279934, MedGen CN074093, MONDO:0009636, OMIM 251880.
DGUOK-related disorder. Also called: DGUOK-related condition.

Allele frequency attached by ClinVar (database versions not stated): gnomAD exomes below 0.00001; TOPMed 0.00002.
gnomAD v4.1: 6 of 1,613,842 alleles (0.00037%); highest among the groups gnomAD compares: Non-Finnish European, 0.00051%; no homozygotes.

Submissions (4):

Labcorp Genetics (formerly Invitae), Labcorp
Classification: Pathogenic. Last evaluated: 2025-08-21. Review status: criteria provided, single submitter. Criteria: Invitae Variant Classification Sherloc (09022015). Collection method: clinical testing. Allele origin: germline.
Comment: This sequence change replaces aspartic acid, which is acidic and polar, with tyrosine, which is neutral and polar, at codon 255 of the DGUOK protein (p.Asp255Tyr). This variant is not present in population databases (gnomAD no frequency). This missense change has been observed in individuals with mitochondrial DNA depletion syndrome (PMID: 15887277). It has also been observed to segregate with disease in related individuals. ClinVar contains an entry for this variant (Variation ID: 8159). Invitae Evidence Modeling of protein sequence and biophysical properties (such as structural, functional, and spatial information, amino acid conservation, physicochemical variation, residue mobility, and thermodynamic stability) indicates that this missense variant is expected to disrupt DGUOK protein function with a positive predictive value of 95%. For these reasons, this variant has been classified as Pathogenic.

Blueprint Genetics
Classification: Pathogenic for DGUOK-related disorders. Last evaluated: 2019-03-22. Review status: criteria provided, single submitter. Criteria: ACMG Guidelines, 2015. Collection method: clinical testing. Allele origin: germline. Affected: yes. Observed: 2 variant alleles.

Juno Genomics, Hangzhou Juno Genomics, Inc
Classification: Likely pathogenic for Mitochondrial DNA depletion syndrome 3 (hepatocerebral type); Portal hypertension, noncirrhotic, 1; Progressive external ophthalmoplegia with mitochondrial DNA deletions, autosomal recessive 4. Review status: criteria provided, single submitter. Criteria: ACMG Guidelines, 2015. Collection method: clinical testing. Allele origin: germline. Affected: yes.
Comment: Absent from controls (or at extremely low frequency if recessive) in Genome Aggregation Database, Exome Sequencing Project, 1000 Genomes Project, or Exome Aggregation Consortium.;Multiple lines of computational evidence support a deleterious effect on the gene or gene product (conservation, evolutionary, splicing impact, etc).;For recessive disorders, detected in trans with a pathogenic variant.;Patient's phenotype or family history is highly specific for a disease with a single genetic etiology.

OMIM
Classification: Pathogenic for MITOCHONDRIAL DNA DEPLETION SYNDROME 3 (HEPATOCEREBRAL TYPE). Last evaluated: 2005-06-15. Review status: no assertion criteria provided. Collection method: literature only. Allele origin: germline. Not counted in ClinVar's aggregate classification.

Literature cited by the submitters: PubMed 15887277 (cited by Labcorp Genetics (formerly Invitae), Labcorp and OMIM).

NM_080916.3(DGUOK):c.763G>T (p.Asp255Tyr)

Genes: DGUOK (deoxyguanosine kinase; plus strand), DGUOK-AS1 (DGUOK antisense RNA 1; minus strand). Cytogenetic location: 2p13.1.
Variant type: single nucleotide variant.
Coding change: c.763G>T on transcript NM_080916.3 (MANE Select); coding-DNA position 763, G replaced by T.
Protein change: p.Asp255Tyr; replaces aspartic acid 255 with tyrosine.
Molecular consequence: missense variant. On other transcripts: non-coding transcript variant (8).
Genome position (GRCh38, 1-based): chr2:73,958,201, G>T. VCF-style: chr2-73958201-G-T. GRCh37 (hg19) VCF-style: chr2-74185328-G-T.
Other names: c.481G>T, p.Asp161Tyr (NM_001318859.2); c.472G>T, p.Asp158Tyr (NM_001318860.2, NM_001318861.2); c.454G>T, p.Asp152Tyr (NM_001318862.2, NM_001318863.2); c.499G>T, p.Asp167Tyr (NM_080918.3); short protein forms D255Y, D161Y, D152Y, D158Y, D167Y.
Identifiers: ClinVar variation 8159 (VCV000008159.5), dbSNP rs104893633, ClinGen allele CA254330.